The following is an entry in ClinVar:

NM_012301.4(MAGI2):c.1691G>A (p.Arg564Gln)

Gene: MAGI2 (membrane associated guanylate kinase, WW and PDZ domain containing 2; minus strand). Cytogenetic location: 7q21.11.
Variant type: single nucleotide variant.
Coding change: c.1691G>A on transcript NM_012301.4 (MANE Select); coding-DNA position 1691, G replaced by A.
Protein change: p.Arg564Gln; replaces arginine 564 with glutamine.
Molecular consequence: missense variant.
Genome position (GRCh38, 1-based): chr7:78,256,299, C>T on the plus strand (G>A on the coding strand, the complement: MAGI2 is on the minus strand). VCF-style: chr7-78256299-C-T. GRCh37 (hg19) VCF-style: chr7-77885616-C-T.
Other names: c.1691G>A, p.Arg564Gln (NM_001301128.2); short protein forms R564Q.
Identifiers: ClinVar variation 3573822 (VCV003573822.2).

ClinVar aggregate classification (germline): Uncertain significance (1 of 4 stars; one submission).

gnomAD v4.1: 105 of 1,613,868 alleles (0.0065%); highest among the groups gnomAD compares: Non-Finnish European, 0.008%; no homozygotes.

Submission:

GeneDx
Classification: Uncertain significance. Last evaluated: 2025-05-29. Review status: criteria provided, single submitter. Criteria: GeneDx Variant Classification Process June 2021. Collection method: clinical testing. Allele origin: germline.
Comment: In silico analysis suggests that this missense variant does not alter protein structure/function; Has not been previously published as pathogenic or benign in association with MAGI2-related disorders to our knowledge; This variant is associated with the following publications: (PMID: 30973487)